The following is an entry in ClinVar:

ClinVar aggregate classification (germline): Uncertain significance (1 of 4 stars; one submission).

Conditions:
Retinoblastoma (RB1). Also called: RETINOBLASTOMA, SOMATIC. Identifiers: Orphanet 790, MedGen C0035335, MeSH D012175, MONDO:0008380, OMIM 180200, HP:0009919. Disease mechanism: loss of function. Inheritance: Both sporadic and heritable forms are tested..

gnomAD v4.1: 8 of 1,390,418 alleles (0.00058%); highest among the groups gnomAD compares: Admixed American, 0.0027%; no homozygotes.

Submission:

Labcorp Genetics (formerly Invitae), Labcorp
Classification: Uncertain significance for Retinoblastoma. Last evaluated: 2025-08-11. Review status: criteria provided, single submitter. Criteria: Invitae Variant Classification Sherloc (09022015). Collection method: clinical testing. Allele origin: germline.
Comment: This variant occurs in a non-coding region of the RB1 gene. It does not change the encoded amino acid sequence of the RB1 protein. This variant is not present in population databases (gnomAD no frequency). This variant has not been reported in the literature in individuals affected with RB1-related conditions. ClinVar contains an entry for this variant (Variation ID: 2964850). In summary, the available evidence is currently insufficient to determine the role of this variant in disease. Therefore, it has been classified as a Variant of Uncertain Significance.

NM_000321.3(RB1):c.-125A>G

Gene: RB1 (RB transcriptional corepressor 1; plus strand). Cytogenetic location: 13q14.2.
Variant type: single nucleotide variant.
Coding change: c.-125A>G on transcript NM_000321.3 (MANE Select); 125 bases upstream of the start codon, A replaced by G.
Molecular consequence: 5 prime UTR variant.
Genome position (GRCh38, 1-based): chr13:48,303,788, A>G. VCF-style: chr13-48303788-A-G. GRCh37 (hg19) VCF-style: chr13-48877924-A-G.
Other names: c.-125A>G (NM_001407165.1, NM_001407166.1, NM_001407167.1).
Identifiers: ClinVar variation 2964850 (VCV002964850.3), dbSNP rs1952049584, ClinGen allele CA2622977145.